The following is an entry in ClinVar:

NM_031229.4(RBCK1):c.1209+6G>T

Gene: RBCK1 (RANBP2-type and C3HC4-type zinc finger containing 1; plus strand). Cytogenetic location: 20p13.
Variant type: single nucleotide variant.
Coding change: c.1209+6G>T on transcript NM_031229.4 (MANE Select); 6 bases into the intron after coding-DNA position 1209, G replaced by T.
Molecular consequence: intron variant.
Genome position (GRCh38, 1-based): chr20:427,498, G>T. VCF-style: chr20-427498-G-T. GRCh37 (hg19) VCF-style: chr20-408142-G-T.
Other names: c.699+6G>T (NM_001323956.2, NM_001323958.2); c.1083+6G>T (NM_006462.6).
Identifiers: ClinVar variation 2023050 (VCV002023050.4), dbSNP rs2514546649, ClinGen allele CA2580097956.

ClinVar aggregate classification (germline): Uncertain significance (1 of 4 stars; one submission).

Conditions:
Polyglucosan body myopathy type 1 (PGBM1). Also called: Polyglucosan body myopathy 1 with or without immunodeficiency; POLYGLUCOSAN BODY MYOPATHY WITHOUT IMMUNODEFICIENCY. Identifiers: Orphanet 329173, Orphanet 397937, MedGen C4014605, MONDO:0014389, OMIM 615895.

Submission:

Labcorp Genetics (formerly Invitae), Labcorp
Classification: Uncertain significance for Polyglucosan body myopathy type 1. Last evaluated: 2022-08-09. Review status: criteria provided, single submitter. Criteria: Invitae Variant Classification Sherloc (09022015). Collection method: clinical testing. Allele origin: germline.
Comment: In summary, the available evidence is currently insufficient to determine the role of this variant in disease. Therefore, it has been classified as a Variant of Uncertain Significance. Variants that disrupt the consensus splice site are a relatively common cause of aberrant splicing (PMID: 17576681, 9536098). Algorithms developed to predict the effect of sequence changes on RNA splicing suggest that this variant may create or strengthen a splice site. This variant has not been reported in the literature in individuals affected with RBCK1-related conditions. This variant is not present in population databases (gnomAD no frequency). This sequence change falls in intron 9 of the RBCK1 gene. It does not directly change the encoded amino acid sequence of the RBCK1 protein. It affects a nucleotide within the consensus splice site.

Literature cited by the submitters: PubMed 17576681; PubMed 9536098.